The following is an entry in ClinVar:

NM_000268.4(NF2):c.133G>T (p.Asp45Tyr)

Gene: NF2 (NF2, moesin-ezrin-radixin like (MERLIN) tumor suppressor; plus strand). Cytogenetic location: 22q12.2.
Variant type: single nucleotide variant.
Coding change: c.133G>T on transcript NM_000268.4 (MANE Select); coding-DNA position 133, G replaced by T.
Protein change: p.Asp45Tyr; replaces aspartic acid 45 with tyrosine.
Molecular consequence: missense variant. On other transcripts: non-coding transcript variant (1), intron variant (3).
Genome position (GRCh38, 1-based): chr22:29,636,769, G>T. VCF-style: chr22-29636769-G-T. GRCh37 (hg19) VCF-style: chr22-30032758-G-T.
Other names: c.19G>T, p.Asp7Tyr (NM_001407053.1, NM_001407056.1); c.133G>T, p.Asp45Tyr (NM_001407054.1, NM_001407057.1, NM_001407058.1 and 9 more transcripts); c.-508G>T (NM_001407065.1); c.-124G>T (NM_001407067.1); c.115-2321G>T (NM_181828.3); c.115-5433G>T (NM_181830.3, NM_181831.3); short protein forms D7Y, D45Y.
Identifiers: ClinVar variation 1770340 (VCV001770340.4), dbSNP rs370147621, ClinGen allele CA031129.
Genomic context (GRCh38, chr22:29,636,769, plus strand): 5'-TTTTTGCTCACAGTGTCCTTCCCCATTGGTTTGTTATTGCAGATGAAGTGGAAAGGGAAG[G>T]ACCTCTTTGATTTGGTGTGCCGGACTCTGGGGCTCCGAGAAACCTGGTTCTTTGGACTGC-3'
Protein context (NP_000259.1, residues 35-55): FNCEMKWKGK[Asp45Tyr]LFDLVCRTLG

ClinVar aggregate classification (germline): Uncertain significance. Review status: criteria provided, multiple submitters, no conflicts (2 of 4 stars). 2 submissions from 2 submitters: Uncertain significance (2). Last evaluated 2024-11-09.

Conditions:
Hereditary cancer-predisposing syndrome. Also called: Hereditary Cancer Syndrome; Hereditary neoplastic syndrome; Neoplastic Syndromes, Hereditary; Tumor predisposition. Identifiers: Orphanet 140162, MedGen C0027672, MeSH D009386, MONDO:0015356.
Familial meningioma. Also called: Meningioma, familial, susceptibility to. Identifiers: Orphanet 263662, MedGen C3551915, MONDO:0011789, OMIM 607174.

Allele frequency attached by ClinVar (database versions not stated): TOPMed below 0.00001; ExAC 0.00001; ESP Exome Variant Server 0.00008.

Submissions (2):

Ambry Genetics
Classification: Uncertain significance for Hereditary cancer-predisposing syndrome. Last evaluated: 2024-11-09. Review status: criteria provided, single submitter. Criteria: Ambry Variant Classification Scheme 2023. Collection method: clinical testing. Allele origin: germline.
Comment: The p.D45Y variant (also known as c.133G>T), located in coding exon 2 of the NF2 gene, results from a G to T substitution at nucleotide position 133. The aspartic acid at codon 45 is replaced by tyrosine, an amino acid with highly dissimilar properties. This amino acid position is highly conserved in available vertebrate species. In addition, this alteration is predicted to be deleterious by in silico analysis. Since supporting evidence is limited at this time, the clinical significance of this alteration remains unclear.

Baylor Genetics
Classification: Uncertain significance for Familial meningioma. Last evaluated: 2024-03-10. Review status: criteria provided, single submitter. Criteria: ACMG Guidelines, 2015. Collection method: clinical testing. Allele origin: unknown.